The following is an entry in ClinVar:

ClinVar aggregate classification (germline): Uncertain significance (1 of 4 stars; one submission).

Allele frequency attached by ClinVar (database versions not stated): TOPMed 0.00006; ExAC 0.00007; ESP Exome Variant Server 0.00031.
gnomAD v4.1: 21 of 1,614,060 alleles (0.0013%); highest among the groups gnomAD compares: African/African-American, 0.019%; no homozygotes.

Submission:

Labcorp Genetics (formerly Invitae), Labcorp
Classification: Uncertain significance. Last evaluated: 2023-10-03. Review status: criteria provided, single submitter. Criteria: Invitae Variant Classification Sherloc (09022015). Collection method: clinical testing. Allele origin: germline.
Comment: This sequence change replaces alanine, which is neutral and non-polar, with glycine, which is neutral and non-polar, at codon 2181 of the CEP250 protein (p.Ala2181Gly). This variant is present in population databases (rs139681236, gnomAD 0.02%). This variant has not been reported in the literature in individuals affected with CEP250-related conditions. ClinVar contains an entry for this variant (Variation ID: 1020724). An algorithm developed to predict the effect of missense changes on protein structure and function (PolyPhen-2) suggests that this variant is likely to be disruptive. In summary, the available evidence is currently insufficient to determine the role of this variant in disease. Therefore, it has been classified as a Variant of Uncertain Significance.

NM_007186.6(CEP250):c.6542C>G (p.Ala2181Gly)

Gene: CEP250 (centrosomal protein 250; plus strand). Cytogenetic location: 20q11.22.
Variant type: single nucleotide variant.
Coding change: c.6542C>G on transcript NM_007186.6 (MANE Select); coding-DNA position 6542, C replaced by G.
Protein change: p.Ala2181Gly; replaces alanine 2181 with glycine.
Molecular consequence: missense variant.
Genome position (GRCh38, 1-based): chr20:35,504,911, C>G. VCF-style: chr20-35504911-C-G. GRCh37 (hg19) VCF-style: chr20-34092739-C-G.
Other names: c.4646C>G, p.Ala1549Gly (NM_001318219.1); short protein forms A1549G, A2181G.
Identifiers: ClinVar variation 1020724 (VCV001020724.7), dbSNP rs139681236, ClinGen allele CA9834087.
Genomic context (GRCh38, chr20:35,504,911, plus strand): 5'-AGACAGAAGCCAGGGAGATTGAGTGGAGGGAGAAGGCCCAGGACTTGGCACTCTCCCTAG[C>G]GCAGACCAAGGCCAGTGTCAGCAGTCTGCAGGAGGTAGCCATGTTCCTACAAGCCTCTGT-3'
Protein context (NP_009117.2, residues 2171-2191): EKAQDLALSL[Ala2181Gly]QTKASVSSLQ